The following is an entry in ClinVar:

NM_000130.5(F5):c.538G>A (p.Glu180Lys)

Gene: F5 (coagulation factor V; minus strand). Cytogenetic location: 1q24.2.
Variant type: single nucleotide variant.
Coding change: c.538G>A on transcript NM_000130.5 (MANE Select); coding-DNA position 538, G replaced by A.
Protein change: p.Glu180Lys; replaces glutamic acid 180 with lysine.
Molecular consequence: missense variant.
Genome position (GRCh38, 1-based): chr1:169,560,602, C>T on the plus strand (G>A on the coding strand, the complement: F5 is on the minus strand). VCF-style: chr1-169560602-C-T. GRCh37 (hg19) VCF-style: chr1-169529840-C-T.
Other names: short protein forms E180K.
Identifiers: ClinVar variation 293638 (VCV000293638.8), dbSNP rs143152035, ClinGen allele CA1234589.

ClinVar aggregate classification (germline): Uncertain significance. Review status: criteria provided, multiple submitters, no conflicts (2 of 4 stars). 4 submissions from 2 submitters: Uncertain significance (4). Last evaluated 2018-01-13.

Conditions:
Thrombophilia due to thrombin defect (THPH1). Also called: Thrombosis susceptibility; THROMBOPHILIA DUE TO FACTOR 2 DEFECT; Prothrombin-Related Thrombophilia (Factor II); Prothrombin Thrombophilia. Identifiers: MedGen C3160733, MONDO:0008559, OMIM 188050. Disease mechanism: gain of function, loss of function.
Budd-Chiari syndrome (BDCHS). Also called: Hepatic vein obstruction. Identifiers: Orphanet 131, MedGen C0856761, MONDO:0010947, OMIM 600880, HP:0002639.
Factor V deficiency. Also called: Reduced coagulation factor V activity. Identifiers: Orphanet 326, MedGen C4317320, MONDO:0020586, HP:0003225.
Congenital factor V deficiency. Also called: LABILE FACTOR DEFICIENCY; Hereditary factor V deficiency disease; OWREN PARAHEMOPHILIA; PARAHEMOPHILIA. Identifiers: Orphanet 326, MedGen C0015499, MONDO:0009210, OMIM 227400.
Thrombophilia due to activated protein C resistance (THPH2). Also called: APC resistance; Hereditary Resistance to Activated Protein C; Activated protein C resistance; PCCF DEFICIENCY; PROC COFACTOR DEFICIENCY; THROMBOPHILIA DUE TO DEFICIENCY OF ACTIVATED PROTEIN C COFACTOR. Identifiers: MedGen C1861171, MONDO:0008560, OMIM 188055. Disease mechanism: loss of function, gain of function.
Pregnancy loss, recurrent, susceptibility to, 1 (RPRGL1). Also called: EMBRYONIC LOSS, RECURRENT; MISCARRIAGE, RECURRENT; STILLBIRTH, RECURRENT; FETAL LOSS, RECURRENT, SUSCEPTIBILITY TO. Identifiers: MedGen C3280670, MONDO:0013727, OMIM 614389.
Ischemic stroke. Also called: Ischemic stroke, susceptibility to; CEREBROVASCULAR ACCIDENT. Identifiers: MedGen C0948008, MONDO:1060198, OMIM 601367, HP:0002140.

Allele frequency attached by ClinVar (database versions not stated): gnomAD exomes 0.00001; ExAC 0.00002; ESP Exome Variant Server 0.00008; 1000 Genomes Project 30x 0.00016; 1000 Genomes Project 0.00020.

Submissions (4):

Illumina Laboratory Services, Illumina
Classification: Uncertain significance for Venous thrombosis. Last evaluated: 2018-01-13. Review status: criteria provided, single submitter. Criteria: ICSL Variant Classification Criteria 13 December 2019. Collection method: clinical testing. Allele origin: germline.

Illumina Laboratory Services, Illumina
Classification: Uncertain significance for Congenital factor V deficiency. Last evaluated: 2018-01-13. Review status: criteria provided, single submitter. Criteria: ICSL Variant Classification Criteria 13 December 2019. Collection method: clinical testing. Allele origin: germline.

Illumina Laboratory Services, Illumina
Classification: Uncertain significance for Budd-Chiari syndrome. Last evaluated: 2018-01-13. Review status: criteria provided, single submitter. Criteria: ICSL Variant Classification Criteria 13 December 2019. Collection method: clinical testing. Allele origin: germline.

Juno Genomics, Hangzhou Juno Genomics, Inc
Classification: Uncertain significance for Budd-Chiari syndrome; Pregnancy loss, recurrent, susceptibility to, 1; Ischemic stroke; Thrombophilia due to activated protein C resistance; Congenital factor V deficiency. Review status: criteria provided, single submitter. Criteria: ACMG Guidelines, 2015. Collection method: clinical testing. Allele origin: germline.
Comment: Absent from controls (or at extremely low frequency if recessive) in Genome Aggregation Database.